The following is an entry in ClinVar:

NM_015158.5(KANK1):c.466A>G (p.Lys156Glu)

Gene: KANK1 (KN motif and ankyrin repeat domains 1; plus strand). Cytogenetic location: 9p24.3.
Variant type: single nucleotide variant.
Coding change: c.466A>G on transcript NM_015158.5 (MANE Select); coding-DNA position 466, A replaced by G.
Protein change: p.Lys156Glu; replaces lysine 156 with glutamic acid.
Molecular consequence: missense variant. On other transcripts: 5 prime UTR variant (12), non-coding transcript variant (1).
Genome position (GRCh38, 1-based): chr9:711,232, A>G. VCF-style: chr9-711232-A-G. GRCh37 (hg19) VCF-style: chr9-711232-A-G.
Other names: c.466A>G (NM_015158.2); c.466A>G, p.Lys156Glu (NM_001256876.3, NM_001256877.3, NM_001354331.2 and 2 more transcripts); c.-9A>G (NM_001354333.2, NM_001354335.2, NM_001354336.2 and 9 more transcripts); short protein forms K156E.
Identifiers: ClinVar variation 1490040 (VCV001490040.10), dbSNP rs762757246, ClinGen allele CA4959951.

ClinVar aggregate classification (germline): Uncertain significance. Review status: criteria provided, multiple submitters, no conflicts (2 of 4 stars). 3 submissions from 3 submitters: Uncertain significance (3). Last evaluated 2023-01-25.

Conditions:
Cerebral palsy, spastic quadriplegic, 2 (CPSQ2). Identifiers: Orphanet 210141, MedGen C2752061, MONDO:0013033, OMIM 612900.

Allele frequency attached by ClinVar (database versions not stated): gnomAD exomes 0.00001 and 0.00004; gnomAD 0.00003; ExAC 0.00006.
gnomAD v4.1: 27 of 1,613,992 alleles (0.0017%); highest among the groups gnomAD compares: South Asian, 0.0011%; no homozygotes.

Submissions (3):

Ambry Genetics
Classification: Uncertain significance. Last evaluated: 2023-01-25. Review status: criteria provided, single submitter. Criteria: Ambry Variant Classification Scheme 2023. Collection method: clinical testing. Allele origin: germline.

Labcorp Genetics (formerly Invitae), Labcorp
Classification: Uncertain significance. Last evaluated: 2022-11-29. Review status: criteria provided, single submitter. Criteria: Invitae Variant Classification Sherloc (09022015). Collection method: clinical testing. Allele origin: germline.
Comment: In summary, the available evidence is currently insufficient to determine the role of this variant in disease. Therefore, it has been classified as a Variant of Uncertain Significance. Algorithms developed to predict the effect of missense changes on protein structure and function are either unavailable or do not agree on the potential impact of this missense change (SIFT: "Deleterious"; PolyPhen-2: "Possibly Damaging"; Align-GVGD: "Class C0"). ClinVar contains an entry for this variant (Variation ID: 1490040). This variant has not been reported in the literature in individuals affected with KANK1-related conditions. This variant is present in population databases (rs762757246, gnomAD 0.07%), and has an allele count higher than expected for a pathogenic variant. This sequence change replaces lysine, which is basic and polar, with glutamic acid, which is acidic and polar, at codon 156 of the KANK1 protein (p.Lys156Glu).

Fulgent Genetics
Classification: Uncertain significance for Cerebral palsy, spastic quadriplegic, 2. Last evaluated: 2022-05-27. Review status: criteria provided, single submitter. Criteria: ACMG Guidelines, 2015. Collection method: clinical testing. Allele origin: unknown.